The following is an entry in ClinVar:

NM_001085458.2(CTNND1):c.1340T>C (p.Ile447Thr)

Genes: CTNND1 (catenin delta 1; plus strand), TMX2-CTNND1 (TMX2-CTNND1 readthrough (NMD candidate); plus strand). Cytogenetic location: 11q12.1.
Variant type: single nucleotide variant.
Coding change: c.1340T>C on transcript NM_001085458.2 (MANE Select); coding-DNA position 1340, T replaced by C.
Protein change: p.Ile447Thr; replaces isoleucine 447 with threonine.
Molecular consequence: missense variant. On other transcripts: non-coding transcript variant (1).
Genome position (GRCh38, 1-based): chr11:57,802,116, T>C. VCF-style: chr11-57802116-T-C. GRCh37 (hg19) VCF-style: chr11-57569588-T-C.
Other names: c.1340T>C, p.Ile447Thr (NM_001085459.2, NM_001085460.2, NM_001085461.2 and 3 more transcripts); c.1037T>C, p.Ile346Thr (NM_001085463.2, NM_001085464.2, NM_001085465.2 and 5 more transcripts); c.1178T>C, p.Ile393Thr (NM_001206883.2, NM_001206884.2, NM_001206886.2 and 4 more transcripts); short protein forms I346T, I393T, I447T.
Identifiers: ClinVar variation 3343352 (VCV003343352.1).

ClinVar aggregate classification (germline): Uncertain significance (1 of 4 stars; one submission).

Submission:

GeneDx
Classification: Uncertain significance. Last evaluated: 2023-05-11. Review status: criteria provided, single submitter. Criteria: GeneDx Variant Classification Process June 2021. Collection method: clinical testing. Allele origin: germline. Affected: yes.
Comment: Not observed at significant frequency in large population cohorts (gnomAD); In silico analysis supports that this missense variant has a deleterious effect on protein structure/function; Has not been previously published as pathogenic or benign to our knowledge